The following is an entry in ClinVar:

NM_001024630.4(RUNX2):c.1142C>T (p.Ser381Phe)

Gene: RUNX2 (RUNX family transcription factor 2; plus strand). Cytogenetic location: 6p21.1.
Variant type: single nucleotide variant.
Coding change: c.1142C>T on transcript NM_001024630.4 (MANE Select); coding-DNA position 1142, C replaced by T.
Protein change: p.Ser381Phe; replaces serine 381 with phenylalanine.
Molecular consequence: missense variant.
Genome position (GRCh38, 1-based): chr6:45,546,881, C>T. VCF-style: chr6-45546881-C-T. GRCh37 (hg19) VCF-style: chr6-45514618-C-T.
Other names: c.1076C>T, p.Ser359Phe (NM_001015051.4); c.1034C>T, p.Ser345Phe (NM_001278478.2); c.1100C>T, p.Ser367Phe (NM_001369405.1); short protein forms S345F, S359F, S367F, S381F.
Identifiers: ClinVar variation 5017940 (VCV005017940.1).

ClinVar aggregate classification (germline): Uncertain significance (1 of 4 stars; one submission).

gnomAD v4.1: 1 of 1,614,020 alleles (0.000062%); highest among the groups gnomAD compares: South Asian, 0.0011%; no homozygotes.

Submission:

GeneDx
Classification: Uncertain significance. Last evaluated: 2026-03-30. Review status: criteria provided, single submitter. Criteria: GeneDx Variant Classification Process June 2021. Collection method: clinical testing. Allele origin: germline.
Comment: Not observed at significant frequency in large population cohorts (gnomAD); In silico analysis supports that this missense variant has a deleterious effect on protein structure/function; Has not been previously published as pathogenic or benign to our knowledge